The following is an entry in ClinVar:

ClinVar aggregate classification (germline): Likely pathogenic. Review status: criteria provided, multiple submitters, no conflicts (2 of 4 stars). 2 submissions from 2 submitters: Likely pathogenic (2). Last evaluated 2024-03-06.

Conditions:
Werner syndrome (WRN). Identifiers: Orphanet 902, MedGen C0043119, MONDO:0010196, OMIM 277700.

gnomAD v4.1: 1 of 1,613,682 alleles (0.000062%); no homozygotes.

Submissions (2):

Baylor Genetics
Classification: Likely pathogenic for Werner syndrome. Last evaluated: 2024-03-06. Review status: criteria provided, single submitter. Criteria: ACMG Guidelines, 2015. Collection method: clinical testing. Allele origin: unknown.

Labcorp Genetics (formerly Invitae), Labcorp
Classification: Likely pathogenic for Werner syndrome. Last evaluated: 2023-08-10. Review status: criteria provided, single submitter. Criteria: Invitae Variant Classification Sherloc (09022015). Collection method: clinical testing. Allele origin: germline.
Comment: This sequence change affects an acceptor splice site in intron 5 of the WRN gene. It is expected to disrupt RNA splicing. Variants that disrupt the donor or acceptor splice site typically lead to a loss of protein function (PMID: 16199547), and loss-of-function variants in WRN are known to be pathogenic (PMID: 16673358). This variant is not present in population databases (gnomAD no frequency). This variant has not been reported in the literature in individuals affected with WRN-related conditions. ClinVar contains an entry for this variant (Variation ID: 1346599). Algorithms developed to predict the effect of sequence changes on RNA splicing suggest that this variant may disrupt the consensus splice site. In summary, the currently available evidence indicates that the variant is pathogenic, but additional data are needed to prove that conclusively. Therefore, this variant has been classified as Likely Pathogenic.

Literature cited by the submitters: PubMed 16199547 (cited by Labcorp Genetics (formerly Invitae), Labcorp); PubMed 16673358 (cited by Labcorp Genetics (formerly Invitae), Labcorp).

NM_000553.6(WRN):c.505-2A>G

Gene: WRN (WRN RecQ like helicase; plus strand). Cytogenetic location: 8p12.
Variant type: single nucleotide variant.
Coding change: c.505-2A>G on transcript NM_000553.6 (MANE Select); the canonical splice acceptor site of the intron before coding-DNA position 505, A replaced by G.
Molecular consequence: splice acceptor variant.
Genome position (GRCh38, 1-based): chr8:31,067,031, A>G. VCF-style: chr8-31067031-A-G. GRCh37 (hg19) VCF-style: chr8-30924547-A-G.
Identifiers: ClinVar variation 1346599 (VCV001346599.7), dbSNP rs2130048793, ClinGen allele CA370915776.